The following is an entry in ClinVar:

ClinVar aggregate classification (germline): Pathogenic (1 of 4 stars; one submission).

Conditions:
Neurofibromatosis, type 1 (NF1). Also called: VON RECKLINGHAUSEN DISEASE; NEUROFIBROMATOSIS, TYPE I, SOMATIC; Peripheral type neurofibromatosis; Neurofibromatosis, type I. Identifiers: Orphanet 636, MedGen C0027831, MONDO:0018975, OMIM 162200. Disease mechanism: loss of function.

Submission:

3billion
Classification: Pathogenic for Neurofibromatosis, type 1. Last evaluated: 2022-09-01. Review status: criteria provided, single submitter. Criteria: ACMG Guidelines, 2015. Collection method: clinical testing. Allele origin: germline. Affected: yes. Observed: 1 heterozygote.
Comment: The variant is not observed in the gnomAD v2.1.1 dataset. Frameshift variant is predicted to result in a loss or disruption of normal protein function through nonsense-mediated decay (NMD) or protein truncation. Multiple pathogenic variants are reported downstream of the variant. The variant has been reported to be associated with NF1 -related disorder (PMID: 25074460). Therefore, this variant is classified as Pathogenic according to the recommendation of ACMG/AMP guideline.

Literature cited by the submitters: PubMed 25074460.

NM_001042492.3(NF1):c.5513_5514del (p.Ser1838fs)

Gene: NF1 (neurofibromin 1; plus strand). Cytogenetic location: 17q11.2.
Variant type: Microsatellite.
Coding change: c.5513_5514del on transcript NM_001042492.3 (MANE Select); coding-DNA positions 5513 to 5514, 2 bases deleted (CT; older notation c.5513_5514delCT).
Protein change: p.Ser1838fs; shifts the reading frame from serine 1838.
Molecular consequence: frameshift variant.
Genome position (GRCh38, 1-based): chr17:31,327,743-31,327,744, CT deleted; deleting any 2 consecutive bases within chr17:31,327,741-31,327,744 gives the same sequence; the c. name uses the placement nearest the transcript's 3' end. VCF-style (leftmost placement, unchanged base first): chr17-31327740-ACT-A. GRCh37 (hg19) VCF-style: chr17-29654758-ACT-A.
Other names: c.5448_5449CT[1], p.Ser1817Tyrfs (NM_000267.4); short protein forms S1817fs, S1838fs.
Identifiers: ClinVar variation 1705580 (VCV001705580.1), dbSNP rs2508707480, ClinGen allele CA2580614093.